The following is an entry in ClinVar:

ClinVar aggregate classification (germline): Pathogenic/Likely pathogenic. Review status: criteria provided, multiple submitters, no conflicts (2 of 4 stars). 3 submissions from 3 submitters: Pathogenic (1); Likely pathogenic (1). 1 of the submissions does not count toward it. Last evaluated 2023-11-30.

Conditions:
Melnick-Fraser syndrome (BOR). Also called: Branchiootorenal syndrome; Branchio-oto-renal syndrome; Branchiootorenal Syndrome (BORS). Identifiers: Orphanet 107, MedGen C0265234, MONDO:0007029.
Branchiootorenal syndrome 1. Also called: Branchio-Oto-Renal Syndrome 1. Identifiers: Orphanet 107, MedGen C4551702, MONDO:0007236, OMIM 113650.

Submissions (3):

Foundation for Research in Genetics and Endocrinology, FRIGE's Institute of Human Genetics
Classification: Likely pathogenic for Branchiootorenal syndrome 1. Last evaluated: 2023-11-30. Review status: criteria provided, single submitter. Criteria: ACMG Guidelines, 2015. Collection method: clinical testing. Allele origin: germline. Inheritance: Autosomal dominant inheritance. Affected: yes. Observed: 1 heterozygote.
Comment: A heterozygous nonsense variant in exon 11 of the EYA1 gene that results in a stop codon and premature truncation of the protein at codon 348 was detected. The observed variant is reported as Pathogenic in ClinVar database. This variant has not been reported in the 1000 genomes, gnomAD (v3.1), gnomAD (v2.1) and topmed, databases. The in silico prediction of the variant is damaging by MutationTaster2. The reference codon is conserved across species. In summary, the variant meets our criteria to be classified as likely pathogenic.

Labcorp Genetics (formerly Invitae), Labcorp
Classification: Pathogenic for Melnick-Fraser syndrome. Last evaluated: 2017-08-03. Review status: criteria provided, single submitter. Criteria: Invitae Variant Classification Sherloc (09022015). Collection method: clinical testing. Allele origin: germline.
Comment: This sequence change creates a premature translational stop signal (p.Tyr348*) in the EYA1 gene. It is expected to result in an absent or disrupted protein product. This variant is not present in population databases (ExAC no frequency). This variant has not been reported in the literature in individuals with EYA1-related disease. Loss-of-function variants in EYA1 are known to be pathogenic (PMID: 18220287). For these reasons, this variant has been classified as Pathogenic.

Bioscientia Institut fuer Medizinische Diagnostik GmbH, Sonic Healthcare
Classification: Pathogenic for Branchiootorenal syndrome 1. Last evaluated: 2017-09-18. Review status: no assertion criteria provided. Collection method: clinical testing. Allele origin: germline. Affected: yes. Not counted in ClinVar's aggregate classification.

Literature cited by the submitters: PubMed 18220287 (cited by Labcorp Genetics (formerly Invitae), Labcorp).

NM_000503.6(EYA1):c.1044T>G (p.Tyr348Ter)

Gene: EYA1 (EYA transcriptional coactivator and phosphatase 1; minus strand). Cytogenetic location: 8q13.3.
Variant type: single nucleotide variant.
Coding change: c.1044T>G on transcript NM_000503.6 (MANE Select); coding-DNA position 1044, T replaced by G.
Protein change: p.Tyr348Ter; replaces tyrosine 348 with a stop codon.
Molecular consequence: nonsense.
Genome position (GRCh38, 1-based): chr8:71,269,746, A>C on the plus strand (T>G on the coding strand, the complement: EYA1 is on the minus strand). VCF-style: chr8-71269746-A-C. GRCh37 (hg19) VCF-style: chr8-72181981-A-C.
Other names: p.Tyr348Ter; c.1026T>G, p.Tyr342Ter (NM_001288574.2); c.678T>G, p.Tyr226Ter (NM_001288575.2); c.1131T>G, p.Tyr377Ter (NM_001370333.1); c.1044T>G, p.Tyr348Ter (NM_001370334.1, NM_001370335.1, NM_172058.4); c.1113T>G, p.Tyr371Ter (NM_001370336.1); c.1116T>G, p.Tyr372Ter (NM_172059.5); short protein forms Y348*, Y226*, Y377*, Y371*, Y342*, Y372*.
Identifiers: ClinVar variation 522400 (VCV000522400.5), dbSNP rs1554615511, ClinGen allele CA371468221.